The following is an entry in ClinVar:

ClinVar aggregate classification (germline): Uncertain significance (1 of 4 stars; one submission).

Submission:

Labcorp Genetics (formerly Invitae), Labcorp
Classification: Uncertain significance. Last evaluated: 2022-07-12. Review status: criteria provided, single submitter. Criteria: Invitae Variant Classification Sherloc (09022015). Collection method: clinical testing. Allele origin: germline.
Comment: This sequence change replaces alanine, which is neutral and non-polar, with threonine, which is neutral and polar, at codon 1070 of the ITGAM protein (p.Ala1070Thr). This variant is not present in population databases (gnomAD no frequency). This variant has not been reported in the literature in individuals affected with ITGAM-related conditions. Algorithms developed to predict the effect of missense changes on protein structure and function (SIFT, PolyPhen-2, Align-GVGD) all suggest that this variant is likely to be tolerated. In summary, the available evidence is currently insufficient to determine the role of this variant in disease. Therefore, it has been classified as a Variant of Uncertain Significance.

NM_000632.4(ITGAM):c.3208G>A (p.Ala1070Thr)

Gene: ITGAM (integrin subunit alpha M; plus strand). Cytogenetic location: 16p11.2.
Variant type: single nucleotide variant.
Coding change: c.3208G>A on transcript NM_000632.4 (MANE Select); coding-DNA position 3208, G replaced by A.
Protein change: p.Ala1070Thr; replaces alanine 1070 with threonine.
Molecular consequence: missense variant.
Genome position (GRCh38, 1-based): chr16:31,330,537, G>A. VCF-style: chr16-31330537-G-A. GRCh37 (hg19) VCF-style: chr16-31341858-G-A.
Other names: c.3211G>A, p.Ala1071Thr (NM_001145808.2); short protein forms A1071T, A1070T.
Identifiers: ClinVar variation 2073576 (VCV002073576.4), dbSNP rs2544508757, ClinGen allele CA395702989.